The following is an entry in ClinVar:

NM_002386.4(MC1R):c.466G>A (p.Val156Met)

Gene: MC1R (melanocortin 1 receptor; plus strand). Cytogenetic location: 16q24.3.
Variant type: single nucleotide variant.
Coding change: c.466G>A on transcript NM_002386.4 (MANE Select); coding-DNA position 466, G replaced by A.
Protein change: p.Val156Met; replaces valine 156 with methionine.
Molecular consequence: missense variant.
Genome position (GRCh38, 1-based): chr16:89,919,724, G>A. VCF-style: chr16-89919724-G-A. GRCh37 (hg19) VCF-style: chr16-89986132-G-A.
Other names: short protein forms V156M.
Identifiers: ClinVar variation 2725800 (VCV002725800.3), dbSNP rs3212365, ClinGen allele CA8255602.

ClinVar aggregate classification (germline): Uncertain significance (1 of 4 stars; one submission).

Conditions:
Melanoma, cutaneous malignant, susceptibility to, 5. Also called: Cutaneous malignant melanoma 5. Identifiers: Orphanet 618, MedGen C2751295, MONDO:0013133, OMIM 613099.

Submission:

Labcorp Genetics (formerly Invitae), Labcorp
Classification: Uncertain significance for Melanoma, cutaneous malignant, susceptibility to, 5. Last evaluated: 2023-10-05. Review status: criteria provided, single submitter. Criteria: Invitae Variant Classification Sherloc (09022015). Collection method: clinical testing. Allele origin: germline.
Comment: This sequence change replaces valine, which is neutral and non-polar, with methionine, which is neutral and non-polar, at codon 156 of the MC1R protein (p.Val156Met). This variant is present in population databases (rs3212365, gnomAD 0.006%). This missense change has been observed in individual(s) with melanoma (PMID: 26800492). Advanced modeling of protein sequence and biophysical properties (such as structural, functional, and spatial information, amino acid conservation, physicochemical variation, residue mobility, and thermodynamic stability) performed at Invitae indicates that this missense variant is not expected to disrupt MC1R protein function. In summary, the available evidence is currently insufficient to determine the role of this variant in disease. Therefore, it has been classified as a Variant of Uncertain Significance.

Literature cited by the submitters: PubMed 26800492.